The following is an entry in ClinVar:

NM_001197104.2(KMT2A):c.2113A>C (p.Ser705Arg)

Gene: KMT2A (lysine methyltransferase 2A; plus strand). Cytogenetic location: 11q23.3.
Variant type: single nucleotide variant.
Coding change: c.2113A>C on transcript NM_001197104.2 (MANE Select); coding-DNA position 2113, A replaced by C.
Protein change: p.Ser705Arg; replaces serine 705 with arginine.
Molecular consequence: missense variant.
Genome position (GRCh38, 1-based): chr11:118,473,272, A>C. VCF-style: chr11-118473272-A-C. GRCh37 (hg19) VCF-style: chr11-118343987-A-C.
Other names: c.2212A>C, p.Ser738Arg (NM_001412597.1); c.2113A>C, p.Ser705Arg (NM_005933.4); short protein forms S705R, S738R.
Identifiers: ClinVar variation 2819753 (VCV002819753.3), dbSNP rs2496806698, ClinGen allele CA382812743.

ClinVar aggregate classification (germline): Uncertain significance (1 of 4 stars; one submission).

Submission:

Labcorp Genetics (formerly Invitae), Labcorp
Classification: Uncertain significance. Last evaluated: 2023-05-05. Review status: criteria provided, single submitter. Criteria: Invitae Variant Classification Sherloc (09022015). Collection method: clinical testing. Allele origin: germline.
Comment: In summary, the available evidence is currently insufficient to determine the role of this variant in disease. Therefore, it has been classified as a Variant of Uncertain Significance. Advanced modeling of protein sequence and biophysical properties (such as structural, functional, and spatial information, amino acid conservation, physicochemical variation, residue mobility, and thermodynamic stability) performed at Invitae indicates that this missense variant is expected to disrupt KMT2A protein function. This variant has not been reported in the literature in individuals affected with KMT2A-related conditions. This variant is not present in population databases (gnomAD no frequency). This sequence change replaces serine, which is neutral and polar, with arginine, which is basic and polar, at codon 705 of the KMT2A protein (p.Ser705Arg).